The following is an entry in ClinVar:

ClinVar aggregate classification (germline): Uncertain significance (1 of 4 stars; one submission).

Submission:

GeneDx
Classification: Uncertain significance. Last evaluated: 2025-06-23. Review status: criteria provided, single submitter. Criteria: GeneDx Variant Classification Process June 2021. Collection method: clinical testing. Allele origin: germline. Affected: yes.
Comment: Not observed at significant frequency in large population cohorts (gnomAD); In silico analysis suggests that this missense variant does not alter protein structure/function; Has not been previously published as pathogenic or benign to our knowledge; Reported using an alternate transcript of the gene

NM_002585.4(PBX1):c.*2706C>A

Gene: PBX1 (PBX homeobox 1; plus strand). Cytogenetic location: 1q23.3.
Variant type: single nucleotide variant.
Coding change: c.*2706C>A on transcript NM_002585.4 (MANE Select); 2706 bases downstream of the stop codon, C replaced by A.
Molecular consequence: 3 prime UTR variant. On other transcripts: missense variant (1), intron variant (1).
Genome position (GRCh38, 1-based): chr1:164,849,382, C>A. VCF-style: chr1-164849382-C-A. GRCh37 (hg19) VCF-style: chr1-164818619-C-A.
Other names: c.*2842C>A (NM_001204961.2); c.1243C>A, p.Leu415Ile (NM_001204963.2); c.*2706C>A (NM_001353130.1); c.*43+27756C>A (NM_001353131.2); short protein forms L415I.
Identifiers: ClinVar variation 4540102 (VCV004540102.1).